The following is an entry in ClinVar:

ClinVar aggregate classification (germline): Uncertain significance. Review status: criteria provided, multiple submitters, no conflicts (2 of 4 stars). 3 submissions from 3 submitters: Uncertain significance (3). Last evaluated 2025-12-29.

Conditions:
Hereditary cancer-predisposing syndrome. Also called: Hereditary Cancer Syndrome; Hereditary neoplastic syndrome; Neoplastic Syndromes, Hereditary; Tumor predisposition. Identifiers: Orphanet 140162, MedGen C0027672, MeSH D009386, MONDO:0015356.
Familial cancer of breast. Also called: hereditary breast carcinoma; BREAST CANCER, FAMILIAL; Hereditary breast cancer. Identifiers: Orphanet 227535, MedGen C0346153, MONDO:0016419, OMIM 114480. Disease mechanism: loss of function.
Fanconi anemia complementation group J. Also called: BRIP1-Related Fanconi Anemia. Identifiers: Orphanet 84, MedGen C1836860, MONDO:0012187, OMIM 609054.

Allele frequency attached by ClinVar (database versions not stated): gnomAD exomes below 0.00001.
gnomAD v4.1: 1 of 1,608,576 alleles (0.000062%); no homozygotes.

Submissions (3):

Center for Genomic Medicine, Rigshospitalet, Copenhagen University Hospital
Classification: Uncertain significance. Last evaluated: 2025-12-29. Review status: criteria provided, single submitter. Criteria: ACMG Guidelines, 2015. Collection method: clinical testing. Allele origin: germline.

Labcorp Genetics (formerly Invitae), Labcorp
Classification: Uncertain significance for Familial cancer of breast; Fanconi anemia complementation group J. Last evaluated: 2025-06-16. Review status: criteria provided, single submitter. Criteria: Invitae Variant Classification Sherloc (09022015). Collection method: clinical testing. Allele origin: germline.
Comment: This sequence change replaces methionine, which is neutral and non-polar, with valine, which is neutral and non-polar, at codon 480 of the BRIP1 protein (p.Met480Val). This variant is not present in population databases (gnomAD no frequency). This variant has not been reported in the literature in individuals affected with BRIP1-related conditions. ClinVar contains an entry for this variant (Variation ID: 923555). Invitae Evidence Modeling of protein sequence and biophysical properties (such as structural, functional, and spatial information, amino acid conservation, physicochemical variation, residue mobility, and thermodynamic stability) has been performed for this missense variant. However, the output from this modeling did not meet the statistical confidence thresholds required to predict the impact of this variant on BRIP1 protein function. In summary, the available evidence is currently insufficient to determine the role of this variant in disease. Therefore, it has been classified as a Variant of Uncertain Significance.

Color Diagnostics, LLC DBA Color Health
Classification: Uncertain significance for Hereditary cancer-predisposing syndrome. Last evaluated: 2023-12-04. Review status: criteria provided, single submitter. Criteria: ACMG Guidelines, 2015. Collection method: clinical testing. Allele origin: germline.
Comment: This missense variant replaces methionine with valine at codon 480 of the BRIP1 protein. Computational prediction suggests that this variant may not impact protein structure and function (internally defined REVEL score threshold <= 0.5, PMID: 27666373). To our knowledge, functional studies have not been reported for this variant. This variant has not been reported in individuals affected with BRIP1-related disorders in the literature. This variant has not been identified in the general population by the Genome Aggregation Database (gnomAD). The available evidence is insufficient to determine the role of this variant in disease conclusively. Therefore, this variant is classified as a Variant of Uncertain Significance.

NM_032043.3(BRIP1):c.1438A>G (p.Met480Val)

Gene: BRIP1 (BRCA1 interacting DNA helicase 1; minus strand). Cytogenetic location: 17q23.2.
Variant type: single nucleotide variant.
Coding change: c.1438A>G on transcript NM_032043.3 (MANE Select); coding-DNA position 1438, A replaced by G.
Protein change: p.Met480Val; replaces methionine 480 with valine.
Molecular consequence: missense variant.
Genome position (GRCh38, 1-based): chr17:61,793,632, T>C on the plus strand (A>G on the coding strand, the complement: BRIP1 is on the minus strand). VCF-style: chr17-61793632-T-C. GRCh37 (hg19) VCF-style: chr17-59870993-T-C.
Other names: short protein forms M480V.
Identifiers: ClinVar variation 923555 (VCV000923555.12), dbSNP rs1422020047, ClinGen allele CA400482102.